The following is an entry in ClinVar:

NM_001370259.2(MEN1):c.912+5G>C

Gene: MEN1 (menin 1; minus strand). Cytogenetic location: 11q13.1.
Variant type: single nucleotide variant.
Coding change: c.912+5G>C on transcript NM_001370259.2 (MANE Select); 5 bases into the intron after coding-DNA position 912, G replaced by C.
Molecular consequence: intron variant.
Genome position (GRCh38, 1-based): chr11:64,807,006, C>G on the plus strand (G>C on the coding strand, the complement: MEN1 is on the minus strand). VCF-style: chr11-64807006-C-G. GRCh37 (hg19) VCF-style: chr11-64574478-C-G.
Other names: c.927+5G>C (NM_130804.3, NM_130803.3, NM_000244.4 and 3 more transcripts); c.912+5G>C (NM_130799.3, NM_001370260.2, NM_001370251.2 and 2 more transcripts); c.807+5G>C (NM_001370263.2, NM_001370262.2).
Identifiers: ClinVar variation 1013778 (VCV001013778.8), dbSNP rs1592646185, ClinGen allele CA1978890294.

ClinVar aggregate classification (germline): Uncertain significance. Review status: criteria provided, multiple submitters, no conflicts (2 of 4 stars). 2 submissions from 2 submitters: Uncertain significance (2). Last evaluated 2026-06-22.

Conditions:
Multiple endocrine neoplasia, type 1 (MEN1). Also called: MEA I; MEN I; WERMER SYNDROME; Endocrine adenomatosis multiple; MEN 1. Identifiers: Orphanet 652, MedGen C0025267, MeSH D018761, MONDO:0007540, OMIM 131100.
Hereditary cancer-predisposing syndrome. Also called: Tumor predisposition; Hereditary Cancer Syndrome; Hereditary neoplastic syndrome; Neoplastic Syndromes, Hereditary. Identifiers: Orphanet 140162, MedGen C0027672, MeSH D009386, MONDO:0015356.

Submissions (2):

Ambry Genetics
Classification: Uncertain significance for Hereditary cancer-predisposing syndrome. Last evaluated: 2026-06-22. Review status: criteria provided, single submitter. Criteria: Ambry Variant Classification Scheme 2023. Collection method: clinical testing. Allele origin: germline.
Comment: The c.912+5G>C intronic variant results from a G to C substitution 5 nucleotides after coding exon 5 in the MEN1 gene. This nucleotide position is highly conserved in available vertebrate species. In silico splice site analysis predicts that this alteration may weaken the native splice donor site. Based on the available evidence, the clinical significance of this variant remains unclear.

Labcorp Genetics (formerly Invitae), Labcorp
Classification: Uncertain significance for Multiple endocrine neoplasia, type 1. Last evaluated: 2020-01-01. Review status: criteria provided, single submitter. Criteria: Invitae Variant Classification Sherloc (09022015). Collection method: clinical testing. Allele origin: germline.
Comment: This sequence change falls in intron 6 of the MEN1 gene. It does not directly change the encoded amino acid sequence of the MEN1 protein, but it affects a nucleotide within the consensus splice site of the intron. In summary, the available evidence is currently insufficient to determine the role of this variant in disease. Therefore, it has been classified as a Variant of Uncertain Significance. Nucleotide substitutions within the consensus splice site are a relatively common cause of aberrant splicing (PMID: 17576681, 9536098). Algorithms developed to predict the effect of sequence changes on RNA splicing suggest that this variant may disrupt the consensus splice site, but this prediction has not been confirmed by published transcriptional studies. This variant has not been reported in the literature in individuals with MEN1-related conditions. This variant is not present in population databases (ExAC no frequency).

Literature cited by the submitters: PubMed 17576681 (cited by Labcorp Genetics (formerly Invitae), Labcorp); PubMed 9536098 (cited by Labcorp Genetics (formerly Invitae), Labcorp).